The following is an entry in ClinVar:

ClinVar aggregate classification (germline): Likely pathogenic (0 of 4 stars; one submission).

Conditions:
Congenital generalized lipodystrophy type 2 (CGL2). Also called: BERARDINELLI SYNDROME; BRUNZELL SYNDROME, BSCL2-RELATED; SEIP SYNDROME; Berardinelli-Seip Congenital Lipodystrophy Type 2. Identifiers: Orphanet 528, Orphanet 696289, MedGen C1720863, MONDO:0010020, OMIM 269700.

Submission:

Sarem Hospital Central Laboratory, Iran University of Medical Science (IUMS)
Classification: Likely pathogenic for Congenital generalized lipodystrophy type 2. Last evaluated: 2022-04-26. Review status: no assertion criteria provided. Collection method: clinical testing. Allele origin: germline. Inheritance: Autosomal recessive inheritance. Affected: yes.
Comment: The BSCL2(NM_001122955.3):c.862dupT (p.Arg288LysfsTer50) variant, is located at the donor splice site and in-silico analysis predicts loss of the donor site, two bases upstream resulting in skipping of exon 6. This sequence change is a novel variant not previously reported in ExAC, 1000 genomes and gnomAD databases. In the summary, the Arg288LysfsTer50 variant is classified as likely pathogenic in Lipodystrophy congenital generalized type 2 based upon segregation studies, absence from controls, and in-silicon predictions.

NM_001122955.4(BSCL2):c.862dup (p.Arg288fs)

Genes: BSCL2 (BSCL2 lipid droplet biogenesis associated, seipin; minus strand), HNRNPUL2-BSCL2 (HNRNPUL2-BSCL2 readthrough (NMD candidate); minus strand). Cytogenetic location: 11q12.3.
Variant type: Duplication.
Coding change: c.862dup on transcript NM_001122955.4 (MANE Select); coding-DNA position 862, one base duplicated (A; older notation c.862dupA).
Protein change: p.Arg288fs; shifts the reading frame from arginine 288.
Molecular consequence: frameshift variant. On other transcripts: non-coding transcript variant (1).
Genome position (GRCh38, 1-based): chr11:62,692,377, T duplicated on the plus strand (A on the coding strand, the reverse complement: BSCL2 is on the minus strand). VCF-style (leftmost placement, unchanged base first): chr11-62692376-C-CT. GRCh37 (hg19) VCF-style: chr11-62459848-C-CT.
Other names: c.670dup, p.Arg224fs (NM_001130702.2, NM_032667.6); c.862dup, p.Arg288fs (NM_001386027.1, NM_001386028.1); short protein forms R224fs, R288fs.
Identifiers: ClinVar variation 1687147 (VCV001687147.4), dbSNP rs2134695130, ClinGen allele CA2573147373.